The following is an entry in ClinVar:

NM_018089.3(ANKZF1):c.281A>C (p.Asp94Ala)

Gene: ANKZF1 (ankyrin repeat and zinc finger peptidyl tRNA hydrolase 1; plus strand). Cytogenetic location: 2q35.
Variant type: single nucleotide variant.
Coding change: c.281A>C on transcript NM_018089.3 (MANE Select); coding-DNA position 281, A replaced by C.
Protein change: p.Asp94Ala; replaces aspartic acid 94 with alanine.
Molecular consequence: missense variant. On other transcripts: intron variant (1).
Genome position (GRCh38, 1-based): chr2:219,232,279, A>C. VCF-style: chr2-219232279-A-C. GRCh37 (hg19) VCF-style: chr2-220097001-A-C.
Other names: c.281A>C, p.Asp94Ala (NM_001042410.2); c.-266-211A>C (NM_001282792.2); short protein forms D94A.
Identifiers: ClinVar variation 3682193 (VCV003682193.2).
Genomic context (GRCh38, chr2:219,232,279, plus strand): 5'-GCATATTTCCACCTTTATCTCACTCTTTGTCTTTGTACTAGAGGGAACATTATAAGCTTG[A>C]CTGGCATCGGTTTAACCTAAAGCAACGTCTCAAGGACAAGCCTCTCCTGTCTGCCCTGGA-3'
Protein context (NP_060559.2, residues 84-104): HQEQREHYKL[Asp94Ala]WHRFNLKQRL

ClinVar aggregate classification (germline): Uncertain significance (1 of 4 stars; one submission).

gnomAD v4.1: 2 of 1,614,056 alleles (0.00012%); highest among the groups gnomAD compares: African/African-American, 0.0027%; no homozygotes.

Submission:

Labcorp Genetics (formerly Invitae), Labcorp
Classification: Uncertain significance. Last evaluated: 2025-12-01. Review status: criteria provided, single submitter. Criteria: Invitae Variant Classification Sherloc (09022015). Collection method: clinical testing. Allele origin: germline.
Comment: This sequence change replaces aspartic acid, which is acidic and polar, with alanine, which is neutral and non-polar, at codon 94 of the ANKZF1 protein (p.Asp94Ala). This variant is not present in population databases (gnomAD no frequency). This variant has not been reported in the literature in individuals affected with ANKZF1-related conditions. ClinVar contains an entry for this variant (Variation ID: 3682193). An algorithm developed to predict the effect of missense changes on protein structure and function (PolyPhen-2) suggests that this variant is likely to be disruptive. In summary, the available evidence is currently insufficient to determine the role of this variant in disease. Therefore, it has been classified as a Variant of Uncertain Significance.